The following is an entry in ClinVar:

ClinVar aggregate classification (germline): Uncertain significance. Review status: criteria provided, multiple submitters, no conflicts (2 of 4 stars). 4 submissions from 4 submitters: Uncertain significance (4). Last evaluated 2025-12-02.

Conditions:
Inborn genetic diseases. Identifiers: MedGen C0950123, MeSH D030342.
Lethal multiple pterygium syndrome (LMPS). Identifiers: Orphanet 33108, MedGen C1854678, MONDO:0009668, OMIM 253290.

Allele frequency attached by ClinVar (database versions not stated): gnomAD exomes 0.00006 and 0.00023; ExAC 0.00007; gnomAD 0.00013 and 0.00014; ESP Exome Variant Server 0.00015; TOPMed 0.00015.

Submissions (4):

Labcorp Genetics (formerly Invitae), Labcorp
Classification: Uncertain significance for Lethal multiple pterygium syndrome. Last evaluated: 2025-12-02. Review status: criteria provided, single submitter. Criteria: Invitae Variant Classification Sherloc (09022015). Collection method: clinical testing. Allele origin: germline.
Comment: This sequence change replaces arginine, which is basic and polar, with glutamine, which is neutral and polar, at codon 30 of the CHRND protein (p.Arg30Gln). This variant is present in population databases (rs142992853, gnomAD 0.01%). This variant has not been reported in the literature in individuals affected with CHRND-related conditions. ClinVar contains an entry for this variant (Variation ID: 425256). Invitae Evidence Modeling of protein sequence and biophysical properties (such as structural, functional, and spatial information, amino acid conservation, physicochemical variation, residue mobility, and thermodynamic stability) indicates that this missense variant is not expected to disrupt CHRND protein function with a negative predictive value of 95%. In summary, the available evidence is currently insufficient to determine the role of this variant in disease. Therefore, it has been classified as a Variant of Uncertain Significance.

Ambry Genetics
Classification: Uncertain significance for Inborn genetic diseases. Last evaluated: 2025-03-08. Review status: criteria provided, single submitter. Criteria: Ambry Variant Classification Scheme 2023. Collection method: clinical testing. Allele origin: germline.

Revvity Omics, Revvity
Classification: Uncertain significance. Last evaluated: 2022-10-27. Review status: criteria provided, single submitter. Criteria: ACMG Guidelines, 2015. Collection method: clinical testing. Allele origin: germline.

CeGaT Center for Human Genetics Tuebingen
Classification: Uncertain significance. Last evaluated: 2016-12-01. Review status: criteria provided, single submitter. Criteria: CeGaT Center For Human Genetics Tuebingen Variant Classification Criteria Version 2. Collection method: clinical testing. Allele origin: germline. Affected: yes. Observed: 1 variant allele.

NM_000751.3(CHRND):c.89G>A (p.Arg30Gln)

Gene: CHRND (cholinergic receptor nicotinic delta subunit; plus strand). Cytogenetic location: 2q37.1.
Variant type: single nucleotide variant.
Coding change: c.89G>A on transcript NM_000751.3 (MANE Select); coding-DNA position 89, G replaced by A.
Protein change: p.Arg30Gln; replaces arginine 30 with glutamine.
Molecular consequence: missense variant. On other transcripts: 5 prime UTR variant (2).
Genome position (GRCh38, 1-based): chr2:232,526,565, G>A. VCF-style: chr2-232526565-G-A. GRCh37 (hg19) VCF-style: chr2-233391275-G-A.
Other names: c.89G>A, p.Arg30Gln (NM_001256657.2); c.-183G>A (NM_001311195.2, NM_001311196.2); c.89G>A (NM_000751.1); short protein forms R30Q.
Identifiers: ClinVar variation 425256 (VCV000425256.57), dbSNP rs142992853, ClinGen allele CA2167895.